The following is an entry in ClinVar:

ClinVar aggregate classification (germline): Uncertain significance (1 of 4 stars; one submission).

Submission:

GeneDx
Classification: Uncertain significance. Last evaluated: 2024-02-06. Review status: criteria provided, single submitter. Criteria: GeneDx Variant Classification Process June 2021. Collection method: clinical testing. Allele origin: germline. Affected: yes.
Comment: Not observed at significant frequency in large population cohorts (gnomAD); In silico analysis supports that this missense variant has a deleterious effect on protein structure/function; Has not been previously published as pathogenic or benign to our knowledge; This variant is associated with the following publications: (PMID: 27839871)

NM_000834.5(GRIN2B):c.2222G>A (p.Gly741Asp)

Gene: GRIN2B (glutamate ionotropic receptor NMDA type subunit 2B; minus strand). Cytogenetic location: 12p13.1.
Variant type: single nucleotide variant.
Coding change: c.2222G>A on transcript NM_000834.5 (MANE Select); coding-DNA position 2222, G replaced by A.
Protein change: p.Gly741Asp; replaces glycine 741 with aspartic acid.
Molecular consequence: missense variant.
Genome position (GRCh38, 1-based): chr12:13,569,967, C>T on the plus strand (G>A on the coding strand, the complement: GRIN2B is on the minus strand). VCF-style: chr12-13569967-C-T. GRCh37 (hg19) VCF-style: chr12-13722901-C-T.
Other names: c.2222G>A, p.Gly741Asp (NM_001413992.1); short protein forms G741D.
Identifiers: ClinVar variation 3368541 (VCV003368541.1).